The following is an entry in ClinVar:

NM_138694.4(PKHD1):c.8174-1G>A

Gene: PKHD1 (PKHD1 ciliary IPT domain containing fibrocystin/polyductin; minus strand). Cytogenetic location: 6p12.2.
Variant type: single nucleotide variant.
Coding change: c.8174-1G>A on transcript NM_138694.4 (MANE Select); the canonical splice acceptor site of the intron before coding-DNA position 8174, G replaced by A.
Molecular consequence: splice acceptor variant.
Genome position (GRCh38, 1-based): chr6:51,830,990, C>T on the plus strand (G>A on the coding strand, the complement: PKHD1 is on the minus strand). VCF-style: chr6-51830990-C-T. GRCh37 (hg19) VCF-style: chr6-51695788-C-T.
Other names: c.8174-1G>A (NM_170724.3, NM_138694.3).
Identifiers: ClinVar variation 3240143 (VCV003240143.2), dbSNP rs2535390528.

ClinVar aggregate classification (germline): Likely pathogenic. Review status: criteria provided, multiple submitters, no conflicts (2 of 4 stars). 2 submissions from 2 submitters: Likely pathogenic (2). Last evaluated 2024-06-07.

Conditions:
Polycystic kidney disease 4 (PKD4). Also called: POLYCYSTIC KIDNEY DISEASE 4 WITH OR WITHOUT POLYCYSTIC LIVER DISEASE; PKD3; POLYCYSTIC KIDNEY AND HEPATIC DISEASE 1; POLYCYSTIC KIDNEY DISEASE, INFANTILE, TYPE I; Autosomal Recessive Polycystic Kidney Disease – PKHD1. Identifiers: MedGen C4540575, MONDO:0033004, OMIM 263200.
Autosomal recessive polycystic kidney disease (ARPKD). Also called: AR polycystic kidney disease. Identifiers: Orphanet 731, Orphanet 8378, MedGen C0085548, MeSH D017044, MONDO:0009889.

Submissions (2):

Natera, Inc.
Classification: Likely pathogenic for Autosomal recessive polycystic kidney disease. Last evaluated: 2024-06-07. Review status: criteria provided, single submitter. Criteria: Natera Variant Classification Schema (03/2026). Collection method: clinical testing. Allele origin: germline.
Comment: The c.8174-1G>A variant in PKHD1 is a canonical splice acceptor site variant predicted to affect pre-mRNA splicing, which may result in an abnormal transcript and altered protein product. This variant is expected to result in nonsense mediated decay, truncation, or a dysfunctional protein product. This variant is rare in the general population with a frequency below the threshold expected for the associated phenotype(s). Given the available evidence, this variant is classified as Likely Pathogenic.

Baylor Genetics
Classification: Likely pathogenic for Polycystic kidney disease 4. Last evaluated: 2024-01-05. Review status: criteria provided, single submitter. Criteria: ACMG Guidelines, 2015. Collection method: clinical testing. Allele origin: unknown.